The following is an entry in ClinVar:

NM_201384.3(PLEC):c.264+113C>T

Gene: PLEC (plectin; minus strand). Cytogenetic location: 8q24.3.
Variant type: single nucleotide variant.
Coding change: c.264+113C>T on transcript NM_201384.3 (MANE Select); 113 bases into the intron after coding-DNA position 264, C replaced by T.
Molecular consequence: intron variant.
Genome position (GRCh38, 1-based): chr8:143,938,038, G>A on the plus strand (C>T on the coding strand, the complement: PLEC is on the minus strand). VCF-style: chr8-143938038-G-A. GRCh37 (hg19) VCF-style: chr8-145012206-G-A.
Other names: c.345+113C>T (NM_000445.5); c.222+113C>T (NM_201378.4); c.198+113C>T (NM_201379.3); c.675+113C>T (NM_201380.4); c.168+113C>T (NM_201381.3); c.264+113C>T (NM_201382.4); c.276+113C>T (NM_201383.3).
Identifiers: ClinVar variation 667886 (VCV000667886.1), dbSNP rs13439519, ClinGen allele CA12780814.
Genomic context (GRCh38, chr8:143,938,038, plus strand): 5'-CTGGGCGGGAGGTGCTGCCAGGGACGAGGCCAGCCTGCCCCCAGGGAGAAGGCAGGAGGG[G>A]TTGAGCTGGATTCCAAGTAGAGTGGGCGGCCGGAGAGGCCCCAAGGAGGGAAGGCAGGCA-3'

ClinVar aggregate classification (germline): Benign (1 of 4 stars; one submission).

Allele frequency attached by ClinVar (database versions not stated): 1000 Genomes Project 0.30471; 1000 Genomes Project 30x 0.30746; TOPMed 0.35798; gnomAD 0.36591 and 0.36937; gnomAD exomes 0.37205.
gnomAD v4.1: 278,205 of 749,392 alleles (37%); highest among the groups gnomAD compares: Middle Eastern, 42%; 53,477 homozygotes.

Submission:

GeneDx
Classification: Benign. Last evaluated: 2018-06-14. Review status: criteria provided, single submitter. Criteria: GeneDx Variant Classification (06012015). Collection method: clinical testing. Allele origin: germline. Affected: yes.
Comment: This variant is considered likely benign or benign based on one or more of the following criteria: it is a conservative change, it occurs at a poorly conserved position in the protein, it is predicted to be benign by multiple in silico algorithms, and/or has population frequency not consistent with disease.